The following is an entry in ClinVar:

ClinVar aggregate classification (germline): Uncertain significance. Review status: criteria provided, multiple submitters, no conflicts (2 of 4 stars). 2 submissions from 2 submitters: Uncertain significance (2). Last evaluated 2025-10-30.

Allele frequency attached by ClinVar (database versions not stated): gnomAD exomes 0.00002 and 0.00004; ExAC 0.00004; ESP Exome Variant Server 0.00008; gnomAD 0.00015 and 0.00016; TOPMed 0.00015; 1000 Genomes Project 30x 0.00031; 1000 Genomes Project 0.00040.

Submissions (2):

Ambry Genetics
Classification: Uncertain significance. Last evaluated: 2025-10-30. Review status: criteria provided, single submitter. Criteria: Ambry Variant Classification Scheme 2023. Collection method: clinical testing. Allele origin: germline.

Labcorp Genetics (formerly Invitae), Labcorp
Classification: Uncertain significance. Last evaluated: 2024-11-18. Review status: criteria provided, single submitter. Criteria: Invitae Variant Classification Sherloc (09022015). Collection method: clinical testing. Allele origin: germline.
Comment: This sequence change replaces phenylalanine, which is neutral and non-polar, with leucine, which is neutral and non-polar, at codon 1042 of the ADGRA3 protein (p.Phe1042Leu). This variant is present in population databases (rs145468268, gnomAD 0.03%). This variant has not been reported in the literature in individuals affected with ADGRA3-related conditions. ClinVar contains an entry for this variant (Variation ID: 951219). An algorithm developed to predict the effect of missense changes on protein structure and function outputs the following: PolyPhen-2: "Benign". The leucine amino acid residue is found in multiple mammalian species, which suggests that this missense change does not adversely affect protein function. In summary, the available evidence is currently insufficient to determine the role of this variant in disease. Therefore, it has been classified as a Variant of Uncertain Significance.

NM_145290.4(ADGRA3):c.3124T>C (p.Phe1042Leu)

Gene: ADGRA3 (adhesion G protein-coupled receptor A3; minus strand). Cytogenetic location: 4p15.2.
Variant type: single nucleotide variant.
Coding change: c.3124T>C on transcript NM_145290.4 (MANE Select); coding-DNA position 3124, T replaced by C.
Protein change: p.Phe1042Leu; replaces phenylalanine 1042 with leucine.
Molecular consequence: missense variant.
Genome position (GRCh38, 1-based): chr4:22,388,547, A>G on the plus strand (T>C on the coding strand, the complement: ADGRA3 is on the minus strand). VCF-style: chr4-22388547-A-G. GRCh37 (hg19) VCF-style: chr4-22390170-A-G.
Other names: c.3124T>C (NM_145290.2); short protein forms F1042L.
Identifiers: ClinVar variation 951219 (VCV000951219.9), dbSNP rs145468268, ClinGen allele CA2873441.
Genomic context (GRCh38, chr4:22,388,547, plus strand): 5'-AGCAAGTCATGATCCACGCAAGTCTAACATCCTCCCTATTAACACAATGGTGGACCACGA[A>G]GAACGCACTGAAGCTTAAACTTGTGGCTCCAAAAACGAAGCTAAAAACCAAGTCCAAAGG-3'
Protein context (NP_660333.2, residues 1032-1052): GATSLSFSAF[Phe1042Leu]VVHHCVNRED